The following is an entry in ClinVar:

NM_001077706.3(ECT2L):c.2615G>A (p.Gly872Asp)

Gene: ECT2L (epithelial cell transforming 2 like; plus strand). Cytogenetic location: 6q24.1.
Variant type: single nucleotide variant.
Coding change: c.2615G>A on transcript NM_001077706.3 (MANE Select); coding-DNA position 2615, G replaced by A.
Protein change: p.Gly872Asp; replaces glycine 872 with aspartic acid.
Molecular consequence: missense variant.
Genome position (GRCh38, 1-based): chr6:138,902,527, G>A. VCF-style: chr6-138902527-G-A. GRCh37 (hg19) VCF-style: chr6-139223664-G-A.
Other names: c.2615G>A, p.Gly872Asp (NM_001195037.2); short protein forms G872D.
Identifiers: ClinVar variation 134004 (VCV000134004.1), dbSNP rs374898524, ClinGen allele CA158390.

ClinVar aggregate classification (germline): not provided (0 of 4 stars; one submission).

Allele frequency attached by ClinVar (database versions not stated): TOPMed 0.00002; ESP Exome Variant Server 0.00008; gnomAD exomes 0.00008; ExAC 0.00017; 1000 Genomes Project 0.00040; 1000 Genomes Project 30x 0.00047.
gnomAD v4.1: 119 of 1,613,386 alleles (0.0074%); highest among the groups gnomAD compares: South Asian, 0.078%; 2 homozygotes.

Submission:

ITMI
No classification provided. Condition: AllHighlyPenetrant. Last evaluated: 2013-09-19. Review status: no classification provided. Collection method: reference population. Allele origin: germline.
Comment: Please see associated publication for description of ethnicities

Literature cited by the submitters: PubMed 24728327.